The following is an entry in ClinVar:

NM_001042492.3(NF1):c.6557C>G (p.Ser2186Ter)

Gene: NF1 (neurofibromin 1; plus strand). Cytogenetic location: 17q11.2.
Variant type: single nucleotide variant.
Coding change: c.6557C>G on transcript NM_001042492.3 (MANE Select); coding-DNA position 6557, C replaced by G.
Protein change: p.Ser2186Ter; replaces serine 2186 with a stop codon.
Molecular consequence: nonsense.
Genome position (GRCh38, 1-based): chr17:31,337,497, C>G. VCF-style: chr17-31337497-C-G. GRCh37 (hg19) VCF-style: chr17-29664515-C-G.
Other names: c.6494C>G, p.Ser2165Ter (NM_000267.4); short protein forms S2165*, S2186*.
Identifiers: ClinVar variation 428969 (VCV000428969.10), dbSNP rs1131691091, ClinGen allele CA399013274.

ClinVar aggregate classification (germline): Pathogenic. Review status: criteria provided, multiple submitters, no conflicts (2 of 4 stars). 4 submissions from 4 submitters: Pathogenic (4). Last evaluated 2025-08-30.

Conditions:
Hereditary cancer-predisposing syndrome. Also called: Tumor predisposition; Hereditary Cancer Syndrome; Hereditary neoplastic syndrome; Neoplastic Syndromes, Hereditary. Identifiers: Orphanet 140162, MedGen C0027672, MeSH D009386, MONDO:0015356.
NF1-related disorder. Also called: NF1-related condition. Identifiers: MedGen CN379171.
Neurofibromatosis, type 1 (NF1). Also called: Neurofibromatosis, type I; NEUROFIBROMATOSIS, TYPE I, SOMATIC; VON RECKLINGHAUSEN DISEASE; Peripheral type neurofibromatosis. Identifiers: Orphanet 636, MedGen C0027831, MONDO:0018975, OMIM 162200. Disease mechanism: loss of function.

Submissions (4):

Labcorp Genetics (formerly Invitae), Labcorp
Classification: Pathogenic for Neurofibromatosis, type 1. Last evaluated: 2025-08-30. Review status: criteria provided, single submitter. Criteria: Invitae Variant Classification Sherloc (09022015). Collection method: clinical testing. Allele origin: germline.
Comment: This sequence change creates a premature translational stop signal (p.Ser2165*) in the NF1 gene. It is expected to result in an absent or disrupted protein product. Loss-of-function variants in NF1 are known to be pathogenic (PMID: 10712197, 23913538). This variant is not present in population databases (gnomAD no frequency). This premature translational stop signal has been observed in individual(s) with clinical features of neurofibromatosis type 1 (PMID: 16835897). ClinVar contains an entry for this variant (Variation ID: 428969). For these reasons, this variant has been classified as Pathogenic.

Blueprint Genetics
Classification: Pathogenic for NF1-related disorders. Last evaluated: 2022-08-22. Review status: criteria provided, single submitter. Criteria: ACMG Guidelines, 2015. Collection method: clinical testing. Allele origin: germline. Affected: yes. Observed: 3 variant alleles.

Genome-Nilou Lab
Classification: Pathogenic for Neurofibromatosis, type 1. Last evaluated: 2022-03-15. Review status: criteria provided, single submitter. Criteria: ACMG Guidelines, 2015. Collection method: clinical testing. Allele origin: germline. Affected: no.

Ambry Genetics
Classification: Pathogenic for Hereditary cancer-predisposing syndrome. Last evaluated: 2015-08-03. Review status: criteria provided, single submitter. Criteria: Ambry Autosomal Dominant and X-Linked criteria (10/2015). Collection method: clinical testing. Allele origin: germline. Observed: 1 variant allele.
Comment: The p.S2186* pathogenic mutation (also known as c.6557C>G,p.S2165*, orc.6494C>G) located in coding exon 43 of the NF1 gene, results from a C to G substitution at nucleotide position 6557. This changes the amino acid from a serine to a stop codon within coding exon 43.

Literature cited by the submitters: PubMed 10712197 (cited by Labcorp Genetics (formerly Invitae), Labcorp); PubMed 23913538 (cited by Labcorp Genetics (formerly Invitae), Labcorp); PubMed 16835897 (cited by Labcorp Genetics (formerly Invitae), Labcorp and Ambry Genetics).